The following is an entry in ClinVar:

ClinVar aggregate classification (germline): Benign. Review status: criteria provided, multiple submitters, no conflicts (2 of 4 stars). 2 submissions from 2 submitters: Benign (2). Last evaluated 2018-06-14.

Allele frequency attached by ClinVar (database versions not stated): 1000 Genomes Project 0.20467; 1000 Genomes Project 30x 0.21081; TOPMed 0.29741.
gnomAD v4.1: 178,089 of 575,904 alleles (31%); highest among the groups gnomAD compares: Middle Eastern, 43%; 31,330 homozygotes.

Submissions (2):

GeneDx
Classification: Benign. Last evaluated: 2018-06-14. Review status: criteria provided, single submitter. Criteria: GeneDx Variant Classification (06012015). Collection method: clinical testing. Allele origin: germline. Affected: yes.
Comment: This variant is considered likely benign or benign based on one or more of the following criteria: it is a conservative change, it occurs at a poorly conserved position in the protein, it is predicted to be benign by multiple in silico algorithms, and/or has population frequency not consistent with disease.

Breakthrough Genomics
Classification: Benign. Review status: criteria provided, single submitter. Criteria: ACMG Guidelines, 2015. Collection method: not provided. Allele origin: germline. Inheritance: Autosomal recessive inheritance. Affected: yes.

NM_000925.4(PDHB):c.97-216T>G

Gene: PDHB (pyruvate dehydrogenase E1 subunit beta; minus strand). Cytogenetic location: 3p14.3.
Variant type: single nucleotide variant.
Coding change: c.97-216T>G on transcript NM_000925.4 (MANE Select); 216 bases into the intron before coding-DNA position 97, T replaced by G.
Molecular consequence: intron variant.
Genome position (GRCh38, 1-based): chr3:58,432,200, A>C on the plus strand (T>G on the coding strand, the complement: PDHB is on the minus strand). VCF-style: chr3-58432200-A-C. GRCh37 (hg19) VCF-style: chr3-58417927-A-C.
Other names: c.43-216T>G (NM_001315536.2); c.97-216T>G (NM_001173468.2).
Identifiers: ClinVar variation 669530 (VCV000669530.2), dbSNP rs11925862, ClinGen allele CA15236468.
Genomic context (GRCh38, chr3:58,432,200, plus strand): 5'-TTCTATTACACATAGTTGGTCTTTGCATGTGTTAATGTACTGAGTGCTCACTAGGTGCCA[A>C]GTACTGCCAAATACTTTGCATCCAGAATGTAGGAGTTGCTCTTTTAATATAATGAATGGT-3'